The following is an entry in ClinVar:

NM_000263.4(NAGLU):c.424T>G (p.Phe142Val)

Gene: NAGLU (N-acetyl-alpha-glucosaminidase; plus strand). Cytogenetic location: 17q21.2.
Variant type: single nucleotide variant.
Coding change: c.424T>G on transcript NM_000263.4 (MANE Select); coding-DNA position 424, T replaced by G.
Protein change: p.Phe142Val; replaces phenylalanine 142 with valine.
Molecular consequence: missense variant.
Genome position (GRCh38, 1-based): chr17:42,537,438, T>G. VCF-style: chr17-42537438-T-G. GRCh37 (hg19) VCF-style: chr17-40689456-T-G.
Other names: short protein forms F142V.
Identifiers: ClinVar variation 5005755 (VCV005005755.2).

ClinVar aggregate classification (germline): Uncertain significance (1 of 4 stars; one submission).

Conditions:
Mucopolysaccharidosis, MPS-III-B (MPS3B). Also called: MPS III B; SANFILIPPO SYNDROME B; MPS IIIB (Sanfilippo Syndrome Type B); N-ACETYL-ALPHA-D-GLUCOSAMINIDASE DEFICIENCY; NAGLU DEFICIENCY; Mucopolysaccharidosis type IIIB (Sanfilippo B). Identifiers: Orphanet 79270, MedGen C0086648, MONDO:0009656, OMIM 252920.

gnomAD v4.1: 1 of 1,614,202 alleles (0.000062%); highest among the groups gnomAD compares: Non-Finnish European, 0.000085%; no homozygotes.

Submission:

Juno Genomics, Hangzhou Juno Genomics, Inc
Classification: Uncertain significance for Mucopolysaccharidosis, MPS-III-B. Review status: criteria provided, single submitter. Criteria: ACMG Guidelines, 2015. Collection method: clinical testing. Allele origin: germline.
Comment: Absent from controls (or at extremely low frequency if recessive) in Genome Aggregation Database.;Multiple lines of computational evidence support a deleterious effect on the gene or gene product.